The following is an entry in ClinVar:

ClinVar aggregate classification (germline): Uncertain significance. Review status: criteria provided, multiple submitters, no conflicts (2 of 4 stars). 2 submissions from 2 submitters: Uncertain significance (2). Last evaluated 2026-02-19.

Conditions:
ATP8B1-related disorder. Also called: ATP8B1-related disorders; ATP8B1-related condition.
Progressive familial intrahepatic cholestasis type 1. Also called: Severe ATP8B1 Deficiency (Progressive Familial Intrahepatic Cholestasis Type 1 [PFIC1]); BYLER DISEASE; Byler's disease. Identifiers: Orphanet 79306, MedGen C4551898, MONDO:0008892, OMIM 211600.

Allele frequency attached by ClinVar (database versions not stated): TOPMed below 0.00001; gnomAD exomes 0.00001.
gnomAD v4.1: 14 of 1,614,104 alleles (0.00087%); highest among the groups gnomAD compares: Non-Finnish European, 0.0012%; no homozygotes.

Submissions (2):

PreventionGenetics, part of Exact Sciences
Classification: Uncertain significance for ATP8B1-related condition. Last evaluated: 2026-02-19. Review status: criteria provided, single submitter. Criteria: ACMG Guidelines, 2015. Collection method: clinical testing. Allele origin: germline.
Comment: The ATP8B1 c.1556G>A variant is predicted to result in the amino acid substitution p.Gly519Glu. To our knowledge, this variant has not been reported in the literature or in a large population database (gnomAD), indicating this variant is rare. At this time, the clinical significance of this variant is uncertain due to the absence of conclusive functional and genetic evidence.

Illumina Laboratory Services, Illumina
Classification: Uncertain significance for Progressive familial intrahepatic cholestasis type 1. Last evaluated: 2018-01-12. Review status: criteria provided, single submitter. Criteria: ICSL Variant Classification Criteria 13 December 2019. Collection method: clinical testing. Allele origin: germline.

NM_001374385.1(ATP8B1):c.1556G>A (p.Gly519Glu)

Gene: ATP8B1 (ATPase phospholipid transporting 8B1; minus strand). Cytogenetic location: 18q21.31.
Variant type: single nucleotide variant.
Coding change: c.1556G>A on transcript NM_001374385.1 (MANE Select); coding-DNA position 1556, G replaced by A.
Protein change: p.Gly519Glu; replaces glycine 519 with glutamic acid.
Molecular consequence: missense variant.
Genome position (GRCh38, 1-based): chr18:57,684,110, C>T on the plus strand (G>A on the coding strand, the complement: ATP8B1 is on the minus strand). VCF-style: chr18-57684110-C-T. GRCh37 (hg19) VCF-style: chr18-55351342-C-T.
Other names: c.1406G>A, p.Gly469Glu (NM_001374386.1); c.1556G>A, p.Gly519Glu (NM_005603.6); short protein forms G519E, G469E.
Identifiers: ClinVar variation 327487 (VCV000327487.6), dbSNP rs886054011, ClinGen allele CA10647950.